The following is an entry in ClinVar:

ClinVar aggregate classification (germline): Likely pathogenic (1 of 4 stars; one submission).

Conditions:
Hereditary cancer-predisposing syndrome. Also called: Neoplastic Syndromes, Hereditary; Tumor predisposition; Hereditary Cancer Syndrome; Hereditary neoplastic syndrome. Identifiers: Orphanet 140162, MedGen C0027672, MeSH D009386, MONDO:0015356.

Submission:

Ambry Genetics
Classification: Likely pathogenic for Hereditary cancer-predisposing syndrome. Last evaluated: 2018-06-27. Review status: criteria provided, single submitter. Criteria: Ambry Variant Classification Scheme 2023. Collection method: clinical testing. Allele origin: germline.
Comment: The c.2041-5_2041-2delTTCA intronic variant, located in intron 11 of the DICER1 gene, results from a deletion of 4 nucleotides within intron 11 of the DICER1 gene. Using the BDGP and ESEfinder splice site prediction tools, this alteration is predicted to abolish the native splice acceptor site; however, direct evidence is unavailable. Alterations that disrupt the canonical splice site are expected to cause aberrant splicing, resulting in an abnormal protein or a transcript that is subject to nonsense-mediated mRNA decay. As such, this alteration is classified as likely pathogenic.

NM_177438.3(DICER1):c.2041-5_2041-2del

Gene: DICER1 (dicer 1, ribonuclease III; minus strand). Cytogenetic location: 14q32.13.
Variant type: Deletion.
Coding change: c.2041-5_2041-2del on transcript NM_177438.3 (MANE Select); 5 bases into the intron before coding-DNA position 2041 through the canonical splice acceptor site of the intron before coding-DNA position 2041, 4 bases deleted (TTCA; older notation c.2041-5_2041-2delTTCA).
Molecular consequence: splice acceptor variant.
Genome position (GRCh38, 1-based): chr14:95,112,249-95,112,252, TGAA deleted on the plus strand (TTCA on the coding strand, the reverse complement: DICER1 is on the minus strand). VCF-style (leftmost placement, unchanged base first): chr14-95112248-CTGAA-C. GRCh37 (hg19) VCF-style: chr14-95578585-CTGAA-C.
Other names: c.2041-5_2041-2del (NM_001291628.2, NM_030621.4, NM_001271282.3 and 1 more transcripts).
Identifiers: ClinVar variation 820587 (VCV000820587.4), dbSNP rs1595394092, ClinGen allele CA915946402.
Genomic context (GRCh38, chr14:95,112,248, plus strand): 5'-CTCACAGCAAATGAGAGCTACAACTCTTTCAGCCAATCGTACACAGCTCATTGGTGGACC[CTGAA>C]AATAACAAAAACCTTTCCATTATATATGCACATCGCTGTATTACCTCTAGCACATGAAAC-3'